The following is an entry in ClinVar:

NM_004312.3(ARR3):c.965T>A (p.Val322Asp)

Gene: ARR3 (arrestin 3; plus strand). Cytogenetic location: Xq13.1.
Variant type: single nucleotide variant.
Coding change: c.965T>A on transcript NM_004312.3 (MANE Select); coding-DNA position 965, T replaced by A.
Protein change: p.Val322Asp; replaces valine 322 with aspartic acid.
Molecular consequence: missense variant.
Genome position (GRCh38, 1-based): chrX:70,280,254, T>A. VCF-style: chrX-70280254-T-A. GRCh37 (hg19) VCF-style: chrX-69500104-T-A.
Other names: short protein forms V322D.
Identifiers: ClinVar variation 4530595 (VCV004530595.1).

ClinVar aggregate classification (germline): Uncertain significance (1 of 4 stars; one submission).

Conditions:
Myopia 26, X-linked, female-limited. Identifiers: MedGen C4538795, MONDO:0049221, OMIM 301010.

Submission:

Institute of Human Genetics, University of Leipzig Medical Center
Classification: Uncertain significance for Myopia 26, X-linked, female-limited. Last evaluated: 2025-10-20. Review status: criteria provided, single submitter. Criteria: ACMG Guidelines, 2015. Collection method: clinical testing. Allele origin: unknown. Inheritance: X-linked dominant inheritance. Affected: yes.
Comment: Criteria applied: PM2,PP4